The following is an entry in ClinVar:

NC_000007.13:g.(117144418_117149087)_(117149197_117170952)del

Gene: CFTR (CF transmembrane conductance regulator; plus strand). Cytogenetic location: 7q31.2.
Variant type: Deletion.
Identifiers: ClinVar variation 3233831 (VCV003233831.2).

ClinVar aggregate classification (germline): Pathogenic (1 of 4 stars; one submission).

Conditions:
Cystic fibrosis (CF). Also called: MUCOVISCIDOSIS. Identifiers: Orphanet 586, MedGen C0010674, MONDO:0009061, OMIM 219700. Disease mechanism: loss of function.

Submission:

Women's Health and Genetics/Laboratory Corporation of America, LabCorp
Classification: Pathogenic for Cystic fibrosis. Last evaluated: 2024-03-21. Review status: criteria provided, single submitter. Criteria: LabCorp Variant Classification Summary - May 2015. Collection method: clinical testing. Allele origin: germline.
Comment: Variant summary: The variant involves the deletion of exon 3 in the CFTR gene. A presumed nomenclature of c.(164+1_165-1)_(273+1_274-1)del has been designated for the purposes of this classification. The variant was absent in 21694 control chromosomes in the gnomAD database (Structural Variants dataset). This Copy Number Variant (CNV) is expected to alter the reading frame and predicted to result in a truncation or absence of the encoded protein due to nonsense mediated decay (NMD). A variant, described as deletion of exon 3, has been reported in the literature in at least one homozygous individual affected with Cystic Fibrosis (e.g. Casals_1997). To our knowledge, no experimental evidence demonstrating an impact on protein function has been reported. The following publication have been ascertained in the context of this evaluation (PMID: 9439669). No submitters have cited clinical-significance assessments for this variant to ClinVar. Based on the evidence outlined above, the variant was classified as pathogenic.

Literature cited by the submitters: PubMed 9439669.